The following is an entry in ClinVar:

ClinVar aggregate classification (germline): Conflicting classifications of pathogenicity. Review status: criteria provided, conflicting classifications (1 of 4 stars). 6 submissions from 6 submitters: Uncertain significance (3); Likely benign (3). Last evaluated 2025-12-23.

Conditions:
Dilated cardiomyopathy 1DD (CMD1DD). Identifiers: Orphanet 154, MedGen C2750995, MONDO:0013168, OMIM 613172.
Cardiovascular phenotype. Identifiers: MedGen CN230736.

Allele frequency attached by ClinVar (database versions not stated): TOPMed 0.00002; ESP Exome Variant Server 0.00022.
gnomAD v4.1: 83 of 1,551,218 alleles (0.0054%); highest among the groups gnomAD compares: East Asian, 0.051%; no homozygotes.

Submissions (6):

Labcorp Genetics (formerly Invitae), Labcorp
Classification: Likely benign for Dilated cardiomyopathy 1DD. Last evaluated: 2025-12-23. Review status: criteria provided, single submitter. Criteria: Invitae Variant Classification Sherloc (09022015). Collection method: clinical testing. Allele origin: germline.

Molecular Diagnostic Laboratory for Inherited Cardiovascular Disease, Montreal Heart Institute
Classification: Uncertain significance for Cardiovascular phenotype. Last evaluated: 2025-04-08. Review status: criteria provided, single submitter. Criteria: ACMG Guidelines, 2015. Collection method: clinical testing. Allele origin: germline. Affected: yes.
Comment: BP4

Ambry Genetics
Classification: Likely benign for Cardiovascular phenotype. Last evaluated: 2024-09-23. Review status: criteria provided, single submitter. Criteria: Ambry Variant Classification Scheme 2023. Collection method: clinical testing. Allele origin: germline.

Blueprint Genetics
Classification: Likely benign. Last evaluated: 2024-09-07. Review status: criteria provided, single submitter. Criteria: ACMG Guidelines, 2015. Collection method: clinical testing. Allele origin: germline.

Women's Health and Genetics/Laboratory Corporation of America, LabCorp
Classification: Uncertain significance. Last evaluated: 2023-06-12. Review status: criteria provided, single submitter. Criteria: LabCorp Variant Classification Summary - May 2015. Collection method: clinical testing. Allele origin: germline.
Comment: Variant summary: RBM20 c.2989G>A (p.Val997Met) results in a conservative amino acid change in the encoded protein sequence. Five of five in-silico tools predict a benign effect of the variant on protein function. The variant allele was found at a frequency of 3.2e-05 in 156918 control chromosomes in GnomAD. The available data on variant occurrences in the general population are insufficient to allow any conclusion about variant significance. c.2989G>A has been reported in an individual receiving Hypertrophic cardiomyopathy genetic testing (example: van Lint_2019). This report does not provide unequivocal conclusions about association of the variant with Dilated Cardiomyopathy. This variant, arising de novo, has also been reported in an individual with non-syndromic cleft lip/palate (example: Awotoye_2022). To our knowledge, no experimental evidence demonstrating an impact on protein function has been reported. The following publications have been ascertained in the context of this evaluation (PMID: 35817949, 30847666). Four clinical diagnostic laboratories have submitted clinical-significance assessments for this variant to ClinVar after 2014 without evidence for independent evaluation, among which three classifications are uncertain significance and one is Likely benign. Based on the evidence outlined above, the variant was classified as uncertain significance.

Fulgent Genetics
Classification: Uncertain significance for Dilated cardiomyopathy 1DD. Last evaluated: 2021-08-09. Review status: criteria provided, single submitter. Criteria: ACMG Guidelines, 2015. Collection method: clinical testing. Allele origin: unknown.

Literature cited by the submitters: PubMed 30847666 (cited by Ambry Genetics and Women's Health and Genetics/Laboratory Corporation of America, LabCorp); PubMed 35817949 (cited by Women's Health and Genetics/Laboratory Corporation of America, LabCorp).

NM_001134363.3(RBM20):c.2989G>A (p.Val997Met)

Gene: RBM20 (RNA binding motif protein 20; plus strand). Cytogenetic location: 10q25.2.
Variant type: single nucleotide variant.
Coding change: c.2989G>A on transcript NM_001134363.3 (MANE Select); coding-DNA position 2989, G replaced by A.
Protein change: p.Val997Met; replaces valine 997 with methionine.
Molecular consequence: missense variant.
Genome position (GRCh38, 1-based): chr10:110,821,608, G>A. VCF-style: chr10-110821608-G-A. GRCh37 (hg19) VCF-style: chr10-112581366-G-A.
Other names: short protein forms V997M.
Identifiers: ClinVar variation 654208 (VCV000654208.66), dbSNP rs372370653, ClinGen allele CA213229572.
Genomic context (GRCh38, chr10:110,821,608, plus strand): 5'-AGCCTCAAGTCACCCAGAGAACTGCCCTCTGCTTCCACAAGCTGTCCCAGTGACATGGAC[G>A]TGGAAATGCCTGGCCTAAATCTGGATGCTGAGCGGAAGCCAGCTGAAAGTGAGACAGGCC-3'
Protein context (NP_001127835.2, residues 987-1007): ASTSCPSDMD[Val997Met]EMPGLNLDAE